The following is an entry in ClinVar:

NM_032634.4(PIGO):c.512-5T>A

Gene: PIGO (phosphatidylinositol glycan anchor biosynthesis class O; minus strand). Cytogenetic location: 9p13.3.
Variant type: single nucleotide variant.
Coding change: c.512-5T>A on transcript NM_032634.4 (MANE Select); 5 bases into the intron before coding-DNA position 512, T replaced by A.
Molecular consequence: intron variant.
Genome position (GRCh38, 1-based): chr9:35,094,364, A>T on the plus strand (T>A on the coding strand, the complement: PIGO is on the minus strand). VCF-style: chr9-35094364-A-T. GRCh37 (hg19) VCF-style: chr9-35094361-A-T.
Other names: c.512-5T>A (NM_152850.4, NM_001201484.2).
Identifiers: ClinVar variation 2018925 (VCV002018925.4), dbSNP rs1330728856, ClinGen allele CA587569220.
Genomic context (GRCh38, chr9:35,094,364, plus strand): 5'-AGCACCAGGGAAAAGGTCTTTCCAGGTATCATCTCCCATGAAGACTACACGCCTTCCTGC[A>T]GGGACATGAAAGAGAAGTCAGAGCCTGAGCAAACGTCAGGGTTAGGAGAAAAGAGGAAAA-3'

ClinVar aggregate classification (germline): Uncertain significance (1 of 4 stars; one submission).

Conditions:
Hyperphosphatasia with impaired intellectual development syndrome 2. Also called: GLYCOSYLPHOSPHATIDYLINOSITOL BIOSYNTHESIS DEFECT 6; Hyperphosphatasia with intellectual disability syndrome 2. Identifiers: Orphanet 247262, MedGen C3553637, MONDO:0013882, OMIM 614749.

Allele frequency attached by ClinVar (database versions not stated): gnomAD exomes below 0.00001.

Submission:

Labcorp Genetics (formerly Invitae), Labcorp
Classification: Uncertain significance for Hyperphosphatasia with impaired intellectual development syndrome 2. Last evaluated: 2022-07-22. Review status: criteria provided, single submitter. Criteria: Invitae Variant Classification Sherloc (09022015). Collection method: clinical testing. Allele origin: germline.
Comment: This sequence change falls in intron 2 of the PIGO gene. It does not directly change the encoded amino acid sequence of the PIGO protein. This variant is present in population databases (no rsID available, gnomAD 0.004%). This variant has not been reported in the literature in individuals affected with PIGO-related conditions. Algorithms developed to predict the effect of sequence changes on RNA splicing suggest that this variant may create or strengthen a splice site. In summary, the available evidence is currently insufficient to determine the role of this variant in disease. Therefore, it has been classified as a Variant of Uncertain Significance.